The following is an entry in ClinVar:

ClinVar aggregate classification (germline): Uncertain significance (1 of 4 stars; one submission).

Conditions:
LAMA2-related muscular dystrophy (LAMA2-RD). Also called: Laminin alpha 2-related dystrophy. Identifiers: MedGen C5679788, MONDO:0100228.

Allele frequency attached by ClinVar (database versions not stated): TOPMed below 0.00001.
gnomAD v4.1: 10 of 1,584,658 alleles (0.00063%); highest among the groups gnomAD compares: Non-Finnish European, 0.00086%; no homozygotes.

Submission:

Labcorp Genetics (formerly Invitae), Labcorp
Classification: Uncertain significance for LAMA2-related muscular dystrophy. Last evaluated: 2025-11-18. Review status: criteria provided, single submitter. Criteria: Invitae Variant Classification Sherloc (09022015). Collection method: clinical testing. Allele origin: germline.
Comment: This sequence change replaces glycine, which is neutral and non-polar, with aspartic acid, which is acidic and polar, at codon 16 of the LAMA2 protein (p.Gly16Asp). This variant is not present in population databases (gnomAD no frequency). This variant has not been reported in the literature in individuals affected with LAMA2-related conditions. ClinVar contains an entry for this variant (Variation ID: 569554). Invitae Evidence Modeling of protein sequence and biophysical properties (such as structural, functional, and spatial information, amino acid conservation, physicochemical variation, residue mobility, and thermodynamic stability) indicates that this missense variant is not expected to disrupt LAMA2 protein function with a negative predictive value of 95%. In summary, the available evidence is currently insufficient to determine the role of this variant in disease. Therefore, it has been classified as a Variant of Uncertain Significance.

NM_000426.4(LAMA2):c.47G>A (p.Gly16Asp)

Gene: LAMA2 (laminin subunit alpha 2; plus strand). Cytogenetic location: 6q22.33.
Variant type: single nucleotide variant.
Coding change: c.47G>A on transcript NM_000426.4 (MANE Select); coding-DNA position 47, G replaced by A.
Protein change: p.Gly16Asp; replaces glycine 16 with aspartic acid.
Molecular consequence: missense variant.
Genome position (GRCh38, 1-based): chr6:128,883,292, G>A. VCF-style: chr6-128883292-G-A. GRCh37 (hg19) VCF-style: chr6-129204437-G-A.
Other names: c.47G>A, p.Gly16Asp (NM_001079823.2); short protein forms G16D.
Identifiers: ClinVar variation 569554 (VCV000569554.9), dbSNP rs1433923964, ClinGen allele CA365828239.